The following is an entry in ClinVar:

NM_177438.3(DICER1):c.3458G>T (p.Cys1153Phe)

Gene: DICER1 (dicer 1, ribonuclease III; minus strand). Cytogenetic location: 14q32.13.
Variant type: single nucleotide variant.
Coding change: c.3458G>T on transcript NM_177438.3 (MANE Select); coding-DNA position 3458, G replaced by T.
Protein change: p.Cys1153Phe; replaces cysteine 1153 with phenylalanine.
Molecular consequence: missense variant.
Genome position (GRCh38, 1-based): chr14:95,103,938, C>A on the plus strand (G>T on the coding strand, the complement: DICER1 is on the minus strand). VCF-style: chr14-95103938-C-A. GRCh37 (hg19) VCF-style: chr14-95570275-C-A.
Other names: c.3458G>T, p.Cys1153Phe (NM_001195573.1, NM_001271282.3, NM_001291628.2 and 1 more transcripts); short protein forms C1153F.
Identifiers: ClinVar variation 543591 (VCV000543591.11), dbSNP rs762999390, ClinGen allele CA390875345.

ClinVar aggregate classification (germline): Uncertain significance. Review status: criteria provided, multiple submitters, no conflicts (2 of 4 stars). 2 submissions from 2 submitters: Uncertain significance (2). Last evaluated 2024-06-17.

Conditions:
Hereditary cancer-predisposing syndrome. Also called: Neoplastic Syndromes, Hereditary; Tumor predisposition; Hereditary Cancer Syndrome; Hereditary neoplastic syndrome. Identifiers: Orphanet 140162, MedGen C0027672, MeSH D009386, MONDO:0015356.
DICER1-related tumor predisposition. Also called: DICER1-related pleuropulmonary blastoma cancer predisposition syndrome; DICER1 syndrome. Identifiers: Orphanet 284343, MedGen C3839822, MONDO:0100216.

Allele frequency attached by ClinVar (database versions not stated): gnomAD exomes below 0.00001; TOPMed 0.00001.
gnomAD v4.1: 1 of 1,614,172 alleles (0.000062%); highest among the groups gnomAD compares: African/African-American, 0.0013%; no homozygotes.

Submissions (2):

Labcorp Genetics (formerly Invitae), Labcorp
Classification: Uncertain significance for DICER1-related tumor predisposition. Last evaluated: 2024-06-17. Review status: criteria provided, single submitter. Criteria: Invitae Variant Classification Sherloc (09022015). Collection method: clinical testing. Allele origin: germline.
Comment: This sequence change replaces cysteine, which is neutral and slightly polar, with phenylalanine, which is neutral and non-polar, at codon 1153 of the DICER1 protein (p.Cys1153Phe). This variant is present in population databases (no rsID available, gnomAD 0.007%). This variant has not been reported in the literature in individuals affected with DICER1-related conditions. ClinVar contains an entry for this variant (Variation ID: 543591). Advanced modeling of protein sequence and biophysical properties (such as structural, functional, and spatial information, amino acid conservation, physicochemical variation, residue mobility, and thermodynamic stability) performed at Invitae indicates that this missense variant is not expected to disrupt DICER1 protein function with a negative predictive value of 80%. In summary, the available evidence is currently insufficient to determine the role of this variant in disease. Therefore, it has been classified as a Variant of Uncertain Significance.

Ambry Genetics
Classification: Uncertain significance for Hereditary cancer-predisposing syndrome. Last evaluated: 2023-05-15. Review status: criteria provided, single submitter. Criteria: Ambry Variant Classification Scheme 2023. Collection method: clinical testing. Allele origin: germline.
Comment: The p.C1153F variant (also known as c.3458G>T), located in coding exon 20 of the DICER1 gene, results from a G to T substitution at nucleotide position 3458. The cysteine at codon 1153 is replaced by phenylalanine, an amino acid with highly dissimilar properties. This amino acid position is well conserved in available vertebrate species. In addition, the in silico prediction for this alteration is inconclusive. Since supporting evidence is limited at this time, the clinical significance of this alteration remains unclear.